The following is an entry in ClinVar:

NM_032608.7(MYO18B):c.6595C>T (p.Arg2199Trp)

Gene: MYO18B (myosin XVIIIB; plus strand). Cytogenetic location: 22q12.1.
Variant type: single nucleotide variant.
Coding change: c.6595C>T on transcript NM_032608.7 (MANE Select); coding-DNA position 6595, C replaced by T.
Protein change: p.Arg2199Trp; replaces arginine 2199 with tryptophan.
Molecular consequence: missense variant.
Genome position (GRCh38, 1-based): chr22:26,026,569, C>T. VCF-style: chr22-26026569-C-T. GRCh37 (hg19) VCF-style: chr22-26422535-C-T.
Other names: c.6598C>T, p.Arg2200Trp (NM_001318245.2); short protein forms R2199W, R2200W.
Identifiers: ClinVar variation 1449143 (VCV001449143.3), dbSNP rs369444034, ClinGen allele CA10161569.
Genomic context (GRCh38, chr22:26,026,569, plus strand): 5'-TCCACCAATGTCCACAGCAAGACCTCAGGAGACAAGCCTGTTTCTCCCCACTTTGTCCGC[C>T]GGCAAAAGTACTGTCATTTTGGGGACGGCGAAGTGCTTGCCGTCCAGAGAAAGTCCACAG-3'
Protein context (NP_115997.5, residues 2189-2209): DKPVSPHFVR[Arg2199Trp]QKYCHFGDGE

ClinVar aggregate classification (germline): Uncertain significance (1 of 4 stars; one submission).

Allele frequency attached by ClinVar (database versions not stated): gnomAD 0.00001; gnomAD exomes 0.00002 and 0.00003; ExAC 0.00003; TOPMed 0.00004; ESP Exome Variant Server 0.00008.
gnomAD v4.1: 45 of 1,613,742 alleles (0.0028%); highest among the groups gnomAD compares: Admixed American, 0.0033%; no homozygotes.

Submission:

Labcorp Genetics (formerly Invitae), Labcorp
Classification: Uncertain significance. Last evaluated: 2022-08-09. Review status: criteria provided, single submitter. Criteria: Invitae Variant Classification Sherloc (09022015). Collection method: clinical testing. Allele origin: germline.
Comment: This sequence change replaces arginine, which is basic and polar, with tryptophan, which is neutral and slightly polar, at codon 2199 of the MYO18B protein (p.Arg2199Trp). This variant is present in population databases (rs369444034, gnomAD 0.007%). This variant has not been reported in the literature in individuals affected with MYO18B-related conditions. ClinVar contains an entry for this variant (Variation ID: 1449143). Algorithms developed to predict the effect of missense changes on protein structure and function are either unavailable or do not agree on the potential impact of this missense change (SIFT: "Not Available"; PolyPhen-2: "Possibly Damaging"; Align-GVGD: "Not Available"). In summary, the available evidence is currently insufficient to determine the role of this variant in disease. Therefore, it has been classified as a Variant of Uncertain Significance.